The following is an entry in ClinVar:

NM_030632.3(ASXL3):c.3025G>A (p.Val1009Ile)

Gene: ASXL3 (ASXL transcriptional regulator 3; plus strand). Cytogenetic location: 18q12.1.
Variant type: single nucleotide variant.
Coding change: c.3025G>A on transcript NM_030632.3 (MANE Select); coding-DNA position 3025, G replaced by A.
Protein change: p.Val1009Ile; replaces valine 1009 with isoleucine.
Molecular consequence: missense variant.
Genome position (GRCh38, 1-based): chr18:33,740,429, G>A. VCF-style: chr18-33740429-G-A. GRCh37 (hg19) VCF-style: chr18-31320393-G-A.
Other names: short protein forms V1009I.
Identifiers: ClinVar variation 3896594 (VCV003896594.2).
Genomic context (GRCh38, chr18:33,740,429, plus strand): 5'-CGGAACATATCATCTAGCAGCCCACCTGAGAAAGAACAGCCTCCCAGAGAGGAACCAAGG[G>A]TTCCCCCTCTCAAGGTATGGTATTAAATAAACAAAAGGCAATTCCGTAGATAGGCTTTTC-3'
Protein context (NP_085135.1, residues 999-1019): KEQPPREEPR[Val1009Ile]PPLKIQLSKI

ClinVar aggregate classification (germline): Uncertain significance (1 of 4 stars; one submission).

Submission:

Women's Health and Genetics/Laboratory Corporation of America, LabCorp
Classification: Uncertain significance. Last evaluated: 2025-04-28. Review status: criteria provided, single submitter. Criteria: LabCorp Variant Classification Summary - May 2015. Collection method: clinical testing. Allele origin: germline.
Comment: Variant summary: ASXL3 c.3025G>A (p.Val1009Ile) results in a conservative amino acid change in the encoded protein sequence. Three of five in-silico tools predict a damaging effect of the variant on protein function. The variant was absent in 207646 control chromosomes. The available data on variant occurrences in the general population are insufficient to allow any conclusion about variant significance. To our knowledge, no occurrence of c.3025G>A in individuals affected with Bainbridge-Ropers Syndrome and no experimental evidence demonstrating its impact on protein function have been reported. No submitters have cited clinical-significance assessments for this variant to ClinVar. Based on the evidence outlined above, the variant was classified as uncertain significance.